The following is an entry in ClinVar:

ClinVar aggregate classification (germline): Uncertain significance (1 of 4 stars; one submission).

gnomAD v4.1: 1 of 1,614,160 alleles (0.000062%); highest among the groups gnomAD compares: Non-Finnish European, 0.000085%; no homozygotes.

Submission:

Ambry Genetics
Classification: Uncertain significance. Last evaluated: 2025-09-28. Review status: criteria provided, single submitter. Criteria: Ambry Variant Classification Scheme 2023. Collection method: clinical testing. Allele origin: germline.
Comment: The p.H1077Q variant (also known as c.3231C>G), located in coding exon 1 of the TET2 gene, results from a C to G substitution at nucleotide position 3231. The histidine at codon 1077 is replaced by glutamine, an amino acid with highly similar properties. This amino acid position is conserved. In addition, this alteration is predicted to be tolerated by in silico analysis. Based on the available evidence, the clinical significance of this variant remains unclear.

NM_001127208.3(TET2):c.3231C>G (p.His1077Gln)

Genes: TET2 (tet methylcytosine dioxygenase 2; plus strand), TET2-AS1 (TET2 antisense RNA 1; minus strand). Cytogenetic location: 4q24.
Variant type: single nucleotide variant.
Coding change: c.3231C>G on transcript NM_001127208.3 (MANE Select); coding-DNA position 3231, C replaced by G.
Protein change: p.His1077Gln; replaces histidine 1077 with glutamine.
Molecular consequence: missense variant.
Genome position (GRCh38, 1-based): chr4:105,237,173, C>G. VCF-style: chr4-105237173-C-G. GRCh37 (hg19) VCF-style: chr4-106158330-C-G.
Other names: c.3231C>G, p.His1077Gln (NM_017628.4); short protein forms H1077Q.
Identifiers: ClinVar variation 4594129 (VCV004594129.1).